The following is an entry in ClinVar:

NM_000059.4(BRCA2):c.8770G>A (p.Glu2924Lys)

Gene: BRCA2 (BRCA2 DNA repair associated; plus strand). Cytogenetic location: 13q13.1.
Variant type: single nucleotide variant.
Coding change: c.8770G>A on transcript NM_000059.4 (MANE Select); coding-DNA position 8770, G replaced by A.
Protein change: p.Glu2924Lys; replaces glutamic acid 2924 with lysine.
Molecular consequence: missense variant.
Genome position (GRCh38, 1-based): chr13:32,379,332, G>A. VCF-style: chr13-32379332-G-A. GRCh37 (hg19) VCF-style: chr13-32953469-G-A.
Other names: c.8674G>A, p.Glu2892Lys (NM_001406719.1); c.8770G>A, p.Glu2924Lys (NM_001406720.1); c.3838G>A, p.Glu1280Lys (NM_001406721.1); c.2353G>A, p.Glu785Lys (NM_001406722.1); short protein forms E2924K, E2892K, E785K, E1280K.
Identifiers: ClinVar variation 2096144 (VCV002096144.5), dbSNP rs80359133, ClinGen allele CA387755794.

ClinVar aggregate classification (germline): Uncertain significance. Review status: criteria provided, multiple submitters, no conflicts (2 of 4 stars). 3 submissions from 3 submitters: Uncertain significance (3). Last evaluated 2025-01-09.

Conditions:
BRCA2-related cancer predisposition. Identifiers: MedGen CN377758, MONDO:0700269.
Hereditary cancer-predisposing syndrome. Also called: Hereditary neoplastic syndrome; Neoplastic Syndromes, Hereditary; Tumor predisposition; Hereditary Cancer Syndrome. Identifiers: Orphanet 140162, MedGen C0027672, MeSH D009386, MONDO:0015356.
Hereditary breast ovarian cancer syndrome. Also called: Hereditary breast and/or ovarian cancer syndrome; Hereditary breast and ovarian cancer syndrome; Hereditary breast and ovarian cancer; Hereditary breast and ovarian cancer syndrome (HBOC); Breast and ovarian cancer; BRCA1- and BRCA2-Associated Hereditary Breast and Ovarian Cancer. Identifiers: Orphanet 145, MedGen C0677776, MeSH D061325, MONDO:0003582. Disease mechanism: loss of function.

Submissions (3):

Ambry Genetics
Classification: Uncertain significance for Hereditary cancer-predisposing syndrome. Last evaluated: 2025-01-09. Review status: criteria provided, single submitter. Criteria: Ambry Variant Classification Scheme 2023. Collection method: clinical testing. Allele origin: germline.
Comment: The p.E2924K variant (also known as c.8770G>A), located in coding exon 21 of the BRCA2 gene, results from a G to A substitution at nucleotide position 8770. The glutamic acid at codon 2924 is replaced by lysine, an amino acid with similar properties. This amino acid position is well conserved in available vertebrate species. In addition, the in silico prediction for this alteration is inconclusive. Based on the available evidence, the clinical significance of this variant remains unclear.

All of Us Research Program, National Institutes of Health
Classification: Uncertain significance for BRCA2-related cancer predisposition. Last evaluated: 2024-09-23. Review status: criteria provided, single submitter. Criteria: ACMG Guidelines, 2015. Collection method: clinical testing. Allele origin: germline. Inheritance: Autosomal dominant inheritance. Observed: 1 variant allele, 1 heterozygote.
Comment: This study involves interpretation of variants in research participants for the purpose of population health screening. Participant phenotype was not available at the time of variant classification. Additional details can be found in publication PMID: 35346344, PMCID: PMC8962531

Labcorp Genetics (formerly Invitae), Labcorp
Classification: Uncertain significance for Hereditary breast ovarian cancer syndrome. Last evaluated: 2022-02-10. Review status: criteria provided, single submitter. Criteria: Invitae Variant Classification Sherloc (09022015). Collection method: clinical testing. Allele origin: germline.
Comment: In summary, the available evidence is currently insufficient to determine the role of this variant in disease. Therefore, it has been classified as a Variant of Uncertain Significance. Advanced modeling of protein sequence and biophysical properties (such as structural, functional, and spatial information, amino acid conservation, physicochemical variation, residue mobility, and thermodynamic stability) performed at Invitae indicates that this missense variant is not expected to disrupt BRCA2 protein function. This variant has not been reported in the literature in individuals affected with BRCA2-related conditions. This variant is not present in population databases (gnomAD no frequency). This sequence change replaces glutamic acid, which is acidic and polar, with lysine, which is basic and polar, at codon 2924 of the BRCA2 protein (p.Glu2924Lys).